The following is an entry in ClinVar:

NM_198578.4(LRRK2):c.825T>C (p.His275=)

Gene: LRRK2 (leucine rich repeat kinase 2; plus strand). Cytogenetic location: 12q12.
Variant type: single nucleotide variant.
Coding change: c.825T>C on transcript NM_198578.4 (MANE Select); coding-DNA position 825, T replaced by C.
Protein change: p.His275=; no amino-acid change (histidine 275 retained).
Molecular consequence: synonymous variant.
Genome position (GRCh38, 1-based): chr12:40,243,668, T>C. VCF-style: chr12-40243668-T-C. GRCh37 (hg19) VCF-style: chr12-40637470-T-C.
Identifiers: ClinVar variation 804996 (VCV000804996.50), dbSNP rs72546315, ClinGen allele CA6513197.

ClinVar aggregate classification (germline): Conflicting classifications of pathogenicity. Review status: criteria provided, conflicting classifications (1 of 4 stars). 7 submissions from 7 submitters: Uncertain significance (1); Benign (2); Likely benign (3). 1 of the submissions does not count toward it. Last evaluated 2025-12-15.

Conditions:
LRRK2-related disorder. Also called: LRRK2-related condition.
Autosomal dominant Parkinson disease 8. Also called: LRRK2-Related Parkinson Disease; Parkinson disease 8; Parkinson disease 8, susceptibility to. Identifiers: Orphanet 411602, MedGen C1846862, MONDO:0011764, OMIM 607060.
Inborn genetic diseases. Identifiers: MedGen C0950123, MeSH D030342.

Allele frequency attached by ClinVar (database versions not stated): ExAC 0.00040; gnomAD 0.00040 and 0.00041; gnomAD exomes 0.00040 and 0.00058; TOPMed 0.00043; ESP Exome Variant Server 0.00062.
gnomAD v4.1: 893 of 1,611,476 alleles (0.055%); highest among the groups gnomAD compares: Non-Finnish European, 0.069%; no homozygotes.

Submissions (7):

Labcorp Genetics (formerly Invitae), Labcorp
Classification: Benign for Autosomal dominant Parkinson disease 8. Last evaluated: 2025-12-15. Review status: criteria provided, single submitter. Criteria: Invitae Variant Classification Sherloc (09022015). Collection method: clinical testing. Allele origin: germline.

Blueprint Genetics
Classification: Likely benign. Last evaluated: 2024-11-08. Review status: criteria provided, single submitter. Criteria: ACMG Guidelines, 2015. Collection method: clinical testing. Allele origin: germline.

Ambry Genetics
Classification: Likely benign for Inborn genetic diseases. Last evaluated: 2022-02-12. Review status: criteria provided, single submitter. Criteria: Ambry Variant Classification Scheme 2023. Collection method: clinical testing. Allele origin: germline.

CeGaT Center for Human Genetics Tuebingen
Classification: Likely benign. Last evaluated: 2022-02-01. Review status: criteria provided, single submitter. Criteria: CeGaT Center For Human Genetics Tuebingen Variant Classification Criteria Version 2. Collection method: clinical testing. Allele origin: germline. Affected: yes. Observed: 1 variant allele.

Athena Diagnostics
Classification: Benign. Last evaluated: 2019-08-08. Review status: criteria provided, single submitter. Criteria: Athena Diagnostics Criteria. Collection method: clinical testing. Allele origin: germline.

Illumina Laboratory Services, Illumina
Classification: Uncertain significance for Autosomal dominant Parkinson disease 8. Last evaluated: 2017-04-27. Review status: criteria provided, single submitter. Criteria: ICSL Variant Classification Criteria 13 December 2019. Collection method: clinical testing. Allele origin: germline.

PreventionGenetics, part of Exact Sciences
Classification: Likely benign for LRRK2-related condition. Last evaluated: 2020-02-25. Review status: no assertion criteria provided. Collection method: clinical testing. Allele origin: germline. Not counted in ClinVar's aggregate classification.
Comment: This variant is classified as likely benign based on ACMG/AMP sequence variant interpretation guidelines (Richards et al. 2015 PMID: 25741868, with internal and published modifications).

Literature cited by the submitters: PubMed 18213618 (cited by Athena Diagnostics); PubMed 19357115 (cited by Athena Diagnostics); PubMed 19489756 (cited by Athena Diagnostics); PubMed 21885347 (cited by Athena Diagnostics).